The following is an entry in ClinVar:

NM_001792.5(CDH2):c.773T>C (p.Ile258Thr)

Gene: CDH2 (cadherin 2; minus strand). Cytogenetic location: 18q12.1.
Variant type: single nucleotide variant.
Coding change: c.773T>C on transcript NM_001792.5 (MANE Select); coding-DNA position 773, T replaced by C.
Protein change: p.Ile258Thr; replaces isoleucine 258 with threonine.
Molecular consequence: missense variant.
Genome position (GRCh38, 1-based): chr18:28,005,923, A>G on the plus strand (T>C on the coding strand, the complement: CDH2 is on the minus strand). VCF-style: chr18-28005923-A-G. GRCh37 (hg19) VCF-style: chr18-25585887-A-G.
Other names: c.680T>C, p.Ile227Thr (NM_001308176.2); short protein forms I258T, I227T.
Identifiers: ClinVar variation 1995403 (VCV001995403.4), dbSNP rs2510810927, ClinGen allele CA402243216.
Genomic context (GRCh38, chr18:28,005,923, plus strand): 5'-TCAGGAACTGTCCCATTCCAAACCTGGTGTAAGAACTCAGGTCTGTTGTCATTCATGTCA[A>G]TAACATTGATGACAATGTCAATGGGGTTCTCCACTTGATTTCCATTAATATCTACTGCAT-3'
Protein context (NP_001783.2, residues 248-268): ENPIDIVINV[Ile258Thr]DMNDNRPEFL

ClinVar aggregate classification (germline): Uncertain significance (1 of 4 stars; one submission).

Submission:

Labcorp Genetics (formerly Invitae), Labcorp
Classification: Uncertain significance. Last evaluated: 2022-09-26. Review status: criteria provided, single submitter. Criteria: Invitae Variant Classification Sherloc (09022015). Collection method: clinical testing. Allele origin: germline.
Comment: In summary, the available evidence is currently insufficient to determine the role of this variant in disease. Therefore, it has been classified as a Variant of Uncertain Significance. This sequence change replaces isoleucine, which is neutral and non-polar, with threonine, which is neutral and polar, at codon 258 of the CDH2 protein (p.Ile258Thr). Algorithms developed to predict the effect of missense changes on protein structure and function are either unavailable or do not agree on the potential impact of this missense change (SIFT: "Tolerated"; PolyPhen-2: "Probably Damaging"; Align-GVGD: "Class C0"). This variant has not been reported in the literature in individuals affected with CDH2-related conditions. This variant is not present in population databases (gnomAD no frequency).